The following is an entry in ClinVar:

NM_000525.4(KCNJ11):c.62C>T (p.Pro21Leu)

Gene: KCNJ11 (potassium inwardly rectifying channel subfamily J member 11; minus strand). Cytogenetic location: 11p15.1.
Variant type: single nucleotide variant.
Coding change: c.62C>T on transcript NM_000525.4 (MANE Select); coding-DNA position 62, C replaced by T.
Protein change: p.Pro21Leu; replaces proline 21 with leucine.
Molecular consequence: missense variant. On other transcripts: 5 prime UTR variant (1), intron variant (2).
Genome position (GRCh38, 1-based): chr11:17,388,030, G>A on the plus strand (C>T on the coding strand, the complement: KCNJ11 is on the minus strand). VCF-style: chr11-17388030-G-A. GRCh37 (hg19) VCF-style: chr11-17409577-G-A.
Other names: c.-29C>T (NM_001377296.1); c.-16-184C>T (NM_001166290.2, NM_001377297.1); short protein forms P21L.
Identifiers: ClinVar variation 3599293 (VCV003599293.2).

ClinVar aggregate classification (germline): Conflicting classifications of pathogenicity. Review status: criteria provided, conflicting classifications (1 of 4 stars). 2 submissions from 2 submitters: Uncertain significance (1); Likely benign (1). Last evaluated 2026-02-02.

Conditions:
Diabetes mellitus, transient neonatal, 3 (TNDM3). Identifiers: Orphanet 99886, MedGen C1864623, MONDO:0012522, OMIM 610582. Disease mechanism: loss of function.
Type 2 diabetes mellitus. Also called: Type II diabetes mellitus. Identifiers: MedGen C0011860, MeSH D003924, MONDO:0005148, OMIM 125853, HP:0005978.
Diabetes mellitus, permanent neonatal 2. Also called: KCNJ11-Related Permanent Neonatal Diabetes Mellitus. Identifiers: MedGen C5394296, MONDO:0030087, OMIM 618856.
Hyperinsulinemic hypoglycemia, familial, 2. Also called: HYPERINSULINEMIC HYPOGLYCEMIA, PERSISTENT; HYPERINSULINISM, NEONATAL. Identifiers: Orphanet 276580, Orphanet 276603, MedGen C2931833, MONDO:0011153, OMIM 601820. Disease mechanism: loss of function.
Maturity-onset diabetes of the young type 13. Also called: MODY, TYPE 13. Identifiers: Orphanet 552, MedGen C4225365, MONDO:0014589, OMIM 616329.

Submissions (2):

Centre for Medical Genetics,  Mumbai
Classification: Likely benign for Hyperinsulinemic hypoglycemia, familial, 2. Last evaluated: 2026-02-02. Review status: criteria provided, single submitter. Criteria: ACMG Guidelines, 2015. Collection method: provider interpretation. Allele origin: germline. Inheritance: Autosomal recessive inheritance. Affected: no. Observed: 1 homozygote.
Comment: The variant satisfies PM2 criteria; Extremely low frequency in gnomAD population databases. The variant satisfies PP2 criteria; Missense variant in a gene with low rate of benign missense mutations and for which missense mutation is a common mechanism of a disease However, the variant satisfies BS2 criteria.

Fulgent Genetics
Classification: Uncertain significance for Type 2 diabetes mellitus; Hyperinsulinemic hypoglycemia, familial, 2; Diabetes mellitus, transient neonatal, 3; Maturity-onset diabetes of the young type 13; Diabetes mellitus, permanent neonatal 2. Last evaluated: 2024-01-01. Review status: criteria provided, single submitter. Criteria: ACMG Guidelines, 2015. Collection method: clinical testing. Allele origin: germline.

Literature cited by the submitters: PubMed 8923010 (cited by Centre for Medical Genetics,  Mumbai).